The following is an entry in ClinVar:

NM_000384.3(APOB):c.1617+5A>G

Gene: APOB (apolipoprotein B; minus strand). Cytogenetic location: 2p24.1.
Variant type: single nucleotide variant.
Coding change: c.1617+5A>G on transcript NM_000384.3 (MANE Select); 5 bases into the intron after coding-DNA position 1617, A replaced by G.
Molecular consequence: intron variant.
Genome position (GRCh38, 1-based): chr2:21,029,634, T>C on the plus strand (A>G on the coding strand, the complement: APOB is on the minus strand). VCF-style: chr2-21029634-T-C. GRCh37 (hg19) VCF-style: chr2-21252506-T-C.
Identifiers: ClinVar variation 2565849 (VCV002565849.2), dbSNP rs1572796931, ClinGen allele CA2493485496.

ClinVar aggregate classification (germline): Uncertain significance (1 of 4 stars; one submission).

Conditions:
Cardiovascular phenotype. Identifiers: MedGen CN230736.

Allele frequency attached by ClinVar (database versions not stated): TOPMed below 0.00001.

Submission:

Ambry Genetics
Classification: Uncertain significance for Cardiovascular phenotype. Last evaluated: 2023-05-04. Review status: criteria provided, single submitter. Criteria: Ambry Variant Classification Scheme 2023. Collection method: clinical testing. Allele origin: germline.
Comment: The c.1617+5A>G intronic variant results from an A to G substitution 5 nucleotides after coding exon 12 in the APOB gene. This nucleotide position is not well conserved in available vertebrate species. In silico splice site analysis predicts that this alteration will not have any significant effect on splicing. Since supporting evidence is limited at this time, the clinical significance of this alteration remains unclear.